The following is an entry in ClinVar:

ClinVar aggregate classification (germline): Likely pathogenic (1 of 4 stars; one submission).

Conditions:
Charcot-Marie-Tooth disease axonal type 2P. Also called: CHARCOT-MARIE-TOOTH NEUROPATHY, TYPE 2P; Charcot-Marie-Tooth Neuropathy Type 2G; CHARCOT-MARIE-TOOTH DISEASE, AXONAL, TYPE 2G; CMT 2G. Identifiers: Orphanet 300319, Orphanet 99941, MedGen C3280797, MONDO:0013753, OMIM 614436.

Allele frequency attached by ClinVar (database versions not stated): gnomAD 0.00001; gnomAD exomes 0.00001; TOPMed 0.00001.
gnomAD v4.1: 4 of 1,554,490 alleles (0.00026%); highest among the groups gnomAD compares: Non-Finnish European, 0.00035%; no homozygotes.

Submission:

Labcorp Genetics (formerly Invitae), Labcorp
Classification: Likely pathogenic for Charcot-Marie-Tooth disease axonal type 2P. Last evaluated: 2023-07-25. Review status: criteria provided, single submitter. Criteria: Invitae Variant Classification Sherloc (09022015). Collection method: clinical testing. Allele origin: germline.
Comment: This variant is not present in population databases (gnomAD no frequency). This variant has not been reported in the literature in individuals affected with LRSAM1-related conditions. Algorithms developed to predict the effect of sequence changes on RNA splicing suggest that this variant may disrupt the consensus splice site. In summary, the currently available evidence indicates that the variant is pathogenic, but additional data are needed to prove that conclusively. Therefore, this variant has been classified as Likely Pathogenic. This sequence change affects an acceptor splice site in intron 14 of the LRSAM1 gene. It is expected to disrupt RNA splicing. Variants that disrupt the donor or acceptor splice site typically lead to a loss of protein function (PMID: 16199547), and loss-of-function variants in LRSAM1 are known to be pathogenic (PMID: 20865121, 33414056).

Literature cited by the submitters: PubMed 16199547; PubMed 20865121; PubMed 33414056.

NM_001005373.4(LRSAM1):c.1089-1G>C

Gene: LRSAM1 (leucine rich repeat and sterile alpha motif containing 1; plus strand). Cytogenetic location: 9q33.3.
Variant type: single nucleotide variant.
Coding change: c.1089-1G>C on transcript NM_001005373.4 (MANE Select); the canonical splice acceptor site of the intron before coding-DNA position 1089, G replaced by C.
Molecular consequence: splice acceptor variant.
Genome position (GRCh38, 1-based): chr9:127,482,949, G>C. VCF-style: chr9-127482949-G-C. GRCh37 (hg19) VCF-style: chr9-130245228-G-C.
Other names: c.1089-1G>C (NM_138361.5, NM_001384142.1, NM_001384143.1 and 2 more transcripts); c.300-1G>C (NM_001384144.1).
Identifiers: ClinVar variation 2805963 (VCV002805963.3), dbSNP rs1437816655, ClinGen allele CA374931968.